The following is an entry in ClinVar:

ClinVar aggregate classification (germline): Likely benign. Review status: criteria provided, multiple submitters, no conflicts (2 of 4 stars). 2 submissions from 2 submitters: Likely benign (2). Last evaluated 2026-06-29.

Conditions:
ABCC2-related disorder. Also called: ABCC2-related condition.

Allele frequency attached by ClinVar (database versions not stated): gnomAD exomes below 0.00001; TOPMed below 0.00001.
gnomAD v4.1: 2 of 1,613,912 alleles (0.00012%); highest among the groups gnomAD compares: Non-Finnish European, 0.00017%; no homozygotes.

Submissions (2):

PreventionGenetics, part of Exact Sciences
Classification: Likely benign for ABCC2-related condition. Last evaluated: 2026-06-29. Review status: criteria provided, single submitter. Criteria: ACMG Guidelines, 2015. Collection method: clinical testing. Allele origin: germline.
Comment: This variant is classified as likely benign based on ACMG/AMP sequence variant interpretation guidelines (Richards et al. 2015 PMID: 25741868, with internal and published modifications).

Labcorp Genetics (formerly Invitae), Labcorp
Classification: Likely benign. Last evaluated: 2023-03-07. Review status: criteria provided, single submitter. Criteria: Invitae Variant Classification Sherloc (09022015). Collection method: clinical testing. Allele origin: germline.

NM_000392.5(ABCC2):c.27T>A (p.Thr9=)

Gene: ABCC2 (ATP binding cassette subfamily C member 2; plus strand). Cytogenetic location: 10q24.2.
Variant type: single nucleotide variant.
Coding change: c.27T>A on transcript NM_000392.5 (MANE Select); coding-DNA position 27, T replaced by A.
Protein change: p.Thr9=; no amino-acid change (threonine 9 retained).
Molecular consequence: synonymous variant.
Genome position (GRCh38, 1-based): chr10:99,782,871, T>A. VCF-style: chr10-99782871-T-A. GRCh37 (hg19) VCF-style: chr10-101542628-T-A.
Other names: c.27T>A (NM_000392.4).
Identifiers: ClinVar variation 2995854 (VCV002995854.4), dbSNP rs1259112303, ClinGen allele CA471131657.